The following is an entry in ClinVar:

NM_004706.4(ARHGEF1):c.1804G>A (p.Val602Ile)

Gene: ARHGEF1 (Rho guanine nucleotide exchange factor 1; plus strand). Cytogenetic location: 19q13.2.
Variant type: single nucleotide variant.
Coding change: c.1804G>A on transcript NM_004706.4 (MANE Select); coding-DNA position 1804, G replaced by A.
Protein change: p.Val602Ile; replaces valine 602 with isoleucine.
Molecular consequence: missense variant. On other transcripts: non-coding transcript variant (2).
Genome position (GRCh38, 1-based): chr19:41,903,372, G>A. VCF-style: chr19-41903372-G-A. GRCh37 (hg19) VCF-style: chr19-42407522-G-A.
Other names: c.1972G>A, p.Val658Ile (NM_001396000.1); c.1705G>A, p.Val569Ile (NM_001396002.1, NM_001396004.1, NM_198977.2); c.1804G>A, p.Val602Ile (NM_001396003.1, NM_001396006.1); c.1849G>A, p.Val617Ile (NM_199002.2); short protein forms V569I, V602I, V617I, V658I.
Identifiers: ClinVar variation 4693436 (VCV004693436.1).

ClinVar aggregate classification (germline): Uncertain significance (1 of 4 stars; one submission).

gnomAD v4.1: 5 of 1,613,932 alleles (0.00031%); highest among the groups gnomAD compares: Non-Finnish European, 0.00042%; no homozygotes.

Submission:

Labcorp Genetics (formerly Invitae), Labcorp
Classification: Uncertain significance. Last evaluated: 2025-03-13. Review status: criteria provided, single submitter. Criteria: Invitae Variant Classification Sherloc (09022015). Collection method: clinical testing. Allele origin: germline.
Comment: This sequence change replaces valine, which is neutral and non-polar, with isoleucine, which is neutral and non-polar, at codon 617 of the ARHGEF1 protein (p.Val617Ile). This variant is not present in population databases (gnomAD no frequency). This variant has not been reported in the literature in individuals affected with ARHGEF1-related conditions. An algorithm developed to predict the effect of missense changes on protein structure and function (PolyPhen-2) suggests that this variant is likely to be disruptive. In summary, the available evidence is currently insufficient to determine the role of this variant in disease. Therefore, it has been classified as a Variant of Uncertain Significance.